The following is an entry in ClinVar:

ClinVar aggregate classification (germline): Benign. Review status: criteria provided, single submitter (1 of 4 stars). 2 submissions from 2 submitters: Benign (1). 1 of the submissions does not count toward it. Last evaluated 2025-09-29.

Conditions:
FOCAD-related disorder. Also called: FOCAD-related condition.

Allele frequency attached by ClinVar (database versions not stated): gnomAD exomes 0.00006; gnomAD 0.00052; TOPMed 0.00080; ESP Exome Variant Server 0.00123; ExAC 0.00022.
gnomAD v4.1: 168 of 1,474,642 alleles (0.011%); highest among the groups gnomAD compares: African/African-American, 0.2%; no homozygotes.

Submissions (2):

Labcorp Genetics (formerly Invitae), Labcorp
Classification: Benign. Last evaluated: 2025-09-29. Review status: criteria provided, single submitter. Criteria: Invitae Variant Classification Sherloc (09022015). Collection method: clinical testing. Allele origin: germline.

PreventionGenetics, part of Exact Sciences
Classification: Likely benign for FOCAD-related condition. Last evaluated: 2022-08-08. Review status: no assertion criteria provided. Collection method: clinical testing. Allele origin: germline. Not counted in ClinVar's aggregate classification.
Comment: This variant is classified as likely benign based on ACMG/AMP sequence variant interpretation guidelines (Richards et al. 2015 PMID: 25741868, with internal and published modifications).

NM_001375567.1(FOCAD):c.3078+9A>G

Gene: FOCAD (focadhesin; plus strand). Cytogenetic location: 9p21.3.
Variant type: single nucleotide variant.
Coding change: c.3078+9A>G on transcript NM_001375567.1 (MANE Select); 9 bases into the intron after coding-DNA position 3078, A replaced by G.
Molecular consequence: intron variant.
Genome position (GRCh38, 1-based): chr9:20,926,426, A>G. VCF-style: chr9-20926426-A-G. GRCh37 (hg19) VCF-style: chr9-20926425-A-G.
Other names: c.3078+9A>G (NM_017794.5); c.2973+9A>G (NM_001375568.1, NM_001375570.1).
Identifiers: ClinVar variation 3051585 (VCV003051585.4), dbSNP rs371006298, ClinGen allele CA5007400.